The following is an entry in ClinVar:

ClinVar aggregate classification (germline): Uncertain significance (1 of 4 stars; one submission).

gnomAD v4.1: 5 of 1,613,570 alleles (0.00031%); highest among the groups gnomAD compares: Middle Eastern, 0.017%; no homozygotes.

Submission:

Ambry Genetics
Classification: Uncertain significance. Last evaluated: 2024-08-24. Review status: criteria provided, single submitter. Criteria: Ambry Variant Classification Scheme 2023. Collection method: clinical testing. Allele origin: germline.
Comment: The p.I348L variant (also known as c.1042A>C), located in coding exon 11 of the PRKDC gene, results from an A to C substitution at nucleotide position 1042. The isoleucine at codon 348 is replaced by leucine, an amino acid with highly similar properties. This amino acid position is conserved. In addition, this alteration is predicted to be tolerated by in silico analysis. Based on the available evidence, the clinical significance of this variant remains unclear.

NM_006904.7(PRKDC):c.1042A>C (p.Ile348Leu)

Gene: PRKDC (protein kinase, DNA-activated, catalytic subunit; minus strand). Cytogenetic location: 8q11.21.
Variant type: single nucleotide variant.
Coding change: c.1042A>C on transcript NM_006904.7 (MANE Select); coding-DNA position 1042, A replaced by C.
Protein change: p.Ile348Leu; replaces isoleucine 348 with leucine.
Molecular consequence: missense variant.
Genome position (GRCh38, 1-based): chr8:47,939,622, T>G on the plus strand (A>C on the coding strand, the complement: PRKDC is on the minus strand). VCF-style: chr8-47939622-T-G. GRCh37 (hg19) VCF-style: chr8-48852182-T-G.
Other names: c.1042A>C, p.Ile348Leu (NM_001081640.2); short protein forms I348L.
Identifiers: ClinVar variation 3425194 (VCV003425194.1).